The following is an entry in ClinVar:

NM_000051.4(ATM):c.2700dup (p.Leu901fs)

Gene: ATM (ATM serine/threonine kinase; plus strand). Cytogenetic location: 11q22.3.
Variant type: Duplication.
Coding change: c.2700dup on transcript NM_000051.4 (MANE Select); coding-DNA position 2700, one base duplicated (G; older notation c.2700dupG).
Protein change: p.Leu901fs; shifts the reading frame from leucine 901.
Molecular consequence: frameshift variant.
Genome position (GRCh38, 1-based): chr11:108,268,471, G duplicated. VCF-style (leftmost placement, unchanged base first): chr11-108268470-T-TG. GRCh37 (hg19) VCF-style: chr11-108139197-T-TG.
Other names: c.2700dupG (NM_000051.3); c.2700dup, p.Leu901fs (NM_001351834.2); short protein forms L901fs.
Identifiers: ClinVar variation 453427 (VCV000453427.6), dbSNP rs1555083198, ClinGen allele CA658656253.

ClinVar aggregate classification (germline): Pathogenic. Review status: criteria provided, multiple submitters, no conflicts (2 of 4 stars). 2 submissions from 2 submitters: Pathogenic (2). Last evaluated 2024-01-18.

Conditions:
Familial cancer of breast. Also called: Hereditary breast cancer; hereditary breast carcinoma; BREAST CANCER, FAMILIAL. Identifiers: Orphanet 227535, MedGen C0346153, MONDO:0016419, OMIM 114480. Disease mechanism: loss of function.
Ataxia-telangiectasia syndrome (AT). Also called: Cerebello-oculocutaneous telangiectasia; Immunodeficiency with ataxia telangiectasia; Ataxia-telangiectasia, complementation group D; AT, COMPLEMENTATION GROUP C; Ataxia-telangiectasia, complementation group E; LOUIS-BAR SYNDROME. Identifiers: Orphanet 100, MedGen C0004135, MONDO:0008840, OMIM 208900.

Submissions (2):

Myriad Genetics, Inc.
Classification: Pathogenic for Familial cancer of breast. Last evaluated: 2024-01-18. Review status: criteria provided, single submitter. Criteria: Myriad Autosomal Dominant, Autosomal Recessive and X-Linked Classification Criteria (2023). Collection method: clinical testing. Allele origin: unknown.
Comment: This variant is considered pathogenic. This variant creates a frameshift predicted to result in premature protein truncation.

Labcorp Genetics (formerly Invitae), Labcorp
Classification: Pathogenic for Ataxia-telangiectasia syndrome. Last evaluated: 2017-07-27. Review status: criteria provided, single submitter. Criteria: Invitae Variant Classification Sherloc (09022015). Collection method: clinical testing. Allele origin: germline.
Comment: This sequence change creates a premature translational stop signal (p.Leu901Alafs*19) in the ATM gene. It is expected to result in an absent or disrupted protein product. For these reasons, this variant has been classified as Pathogenic. Loss-of-function variants in ATM are known to be pathogenic (PMID: 23807571, 25614872). This variant has not been reported in the literature in individuals with ATM-related disease. This variant is not present in population databases (ExAC no frequency).

Literature cited by the submitters: PubMed 23807571 (cited by Labcorp Genetics (formerly Invitae), Labcorp); PubMed 25614872 (cited by Labcorp Genetics (formerly Invitae), Labcorp).